The following is an entry in ClinVar:

NM_000807.4(GABRA2):c.188-3T>C

Gene: GABRA2 (gamma-aminobutyric acid type A receptor subunit alpha2; minus strand). Cytogenetic location: 4p12.
Variant type: single nucleotide variant.
Coding change: c.188-3T>C on transcript NM_000807.4 (MANE Select); 3 bases into the intron before coding-DNA position 188, T replaced by C.
Molecular consequence: intron variant.
Genome position (GRCh38, 1-based): chr4:46,332,685, A>G on the plus strand (T>C on the coding strand, the complement: GABRA2 is on the minus strand). VCF-style: chr4-46332685-A-G. GRCh37 (hg19) VCF-style: chr4-46334702-A-G.
Other names: c.188-3T>C (NM_000807.3, NM_001377146.1, NM_001377145.1 and 9 more transcripts); c.91-19969T>C (NM_001377154.1, NM_001377152.1, NM_001286827.3 and 1 more transcripts).
Identifiers: ClinVar variation 1168078 (VCV001168078.12), dbSNP rs279827, ClinGen allele CA2906762.

ClinVar aggregate classification (germline): Benign. Review status: criteria provided, multiple submitters, no conflicts (2 of 4 stars). 3 submissions from 3 submitters: Benign (2). 1 of the submissions does not count toward it. Last evaluated 2026-02-04.

Conditions:
GABRA2-related disorder. Also called: GABRA2-related condition.

Allele frequency attached by ClinVar (database versions not stated): 1000 Genomes Project 0.41294; gnomAD 0.41517 and 0.41530; ExAC 0.42942; gnomAD exomes 0.43682 and 0.44027; ESP Exome Variant Server 0.41266; 1000 Genomes Project 30x 0.41255; TOPMed 0.41504.

Submissions (3):

Labcorp Genetics (formerly Invitae), Labcorp
Classification: Benign. Last evaluated: 2026-02-04. Review status: criteria provided, single submitter. Criteria: Invitae Variant Classification Sherloc (09022015). Collection method: clinical testing. Allele origin: germline.

Breakthrough Genomics
Classification: Benign. Review status: criteria provided, single submitter. Criteria: ACMG Guidelines, 2015. Collection method: not provided. Allele origin: germline. Inheritance: Autosomal dominant inheritance. Affected: yes.

PreventionGenetics, part of Exact Sciences
Classification: Benign for GABRA2-related condition. Last evaluated: 2019-10-17. Review status: no assertion criteria provided. Collection method: clinical testing. Allele origin: germline. Not counted in ClinVar's aggregate classification.
Comment: This variant is classified as benign based on ACMG/AMP sequence variant interpretation guidelines (Richards et al. 2015 PMID: 25741868, with internal and published modifications).